The following is an entry in ClinVar:

NM_000059.4(BRCA2):c.5312G>C (p.Gly1771Ala)

Gene: BRCA2 (BRCA2 DNA repair associated; plus strand). Cytogenetic location: 13q13.1.
Variant type: single nucleotide variant.
Coding change: c.5312G>C on transcript NM_000059.4 (MANE Select); coding-DNA position 5312, G replaced by C.
Protein change: p.Gly1771Ala; replaces glycine 1771 with alanine.
Molecular consequence: missense variant.
Genome position (GRCh38, 1-based): chr13:32,339,667, G>C. VCF-style: chr13-32339667-G-C. GRCh37 (hg19) VCF-style: chr13-32913804-G-C.
Other names: short protein forms G1771A.
Identifiers: ClinVar variation 663789 (VCV000663789.18), dbSNP rs80358755, ClinGen allele CA387784868.

ClinVar aggregate classification (germline): Conflicting classifications of pathogenicity. Review status: criteria provided, conflicting classifications (1 of 4 stars). 4 submissions from 4 submitters: Uncertain significance (3); Likely benign (1). Last evaluated 2026-01-19.

Conditions:
Hereditary breast ovarian cancer syndrome. Also called: Hereditary breast and ovarian cancer syndrome (HBOC); Hereditary breast and ovarian cancer syndrome; Breast and ovarian cancer; Hereditary breast and ovarian cancer; Hereditary breast and/or ovarian cancer syndrome; BRCA1- and BRCA2-Associated Hereditary Breast and Ovarian Cancer. Identifiers: Orphanet 145, MedGen C0677776, MeSH D061325, MONDO:0003582. Disease mechanism: loss of function.
Hereditary cancer-predisposing syndrome. Also called: Neoplastic Syndromes, Hereditary; Tumor predisposition; Hereditary neoplastic syndrome; Hereditary Cancer Syndrome. Identifiers: Orphanet 140162, MedGen C0027672, MeSH D009386, MONDO:0015356.

Submissions (4):

Labcorp Genetics (formerly Invitae), Labcorp
Classification: Uncertain significance for Hereditary breast ovarian cancer syndrome. Last evaluated: 2026-01-19. Review status: criteria provided, single submitter. Criteria: Invitae Variant Classification Sherloc (09022015). Collection method: clinical testing. Allele origin: germline.
Comment: This sequence change replaces glycine, which is neutral and non-polar, with alanine, which is neutral and non-polar, at codon 1771 of the BRCA2 protein (p.Gly1771Ala). This variant is not present in population databases (gnomAD no frequency). This missense change has been observed in individual(s) with breast cancer (PMID: 30287823). ClinVar contains an entry for this variant (Variation ID: 663789). Invitae Evidence Modeling of protein sequence and biophysical properties (such as structural, functional, and spatial information, amino acid conservation, physicochemical variation, residue mobility, and thermodynamic stability) indicates that this missense variant is not expected to disrupt BRCA2 protein function with a negative predictive value of 95%. In summary, the available evidence is currently insufficient to determine the role of this variant in disease. Therefore, it has been classified as a Variant of Uncertain Significance.

Ambry Genetics
Classification: Uncertain significance for Hereditary cancer-predisposing syndrome. Last evaluated: 2025-12-14. Review status: criteria provided, single submitter. Criteria: Ambry Variant Classification Scheme 2023. Collection method: clinical testing. Allele origin: germline.
Comment: The p.G1771A variant (also known as c.5312G>C), located in coding exon 10 of the BRCA2 gene, results from a G to C substitution at nucleotide position 5312. The glycine at codon 1771 is replaced by alanine, an amino acid with similar properties. This amino acid position is poorly conserved in available vertebrate species. In addition, this alteration is predicted to be tolerated by in silico analysis. Since supporting evidence is limited at this time, the clinical significance of this alteration remains unclear.

Color Diagnostics, LLC DBA Color Health
Classification: Uncertain significance for Hereditary cancer-predisposing syndrome. Last evaluated: 2025-07-07. Review status: criteria provided, single submitter. Criteria: ACMG Guidelines, 2015. Collection method: clinical testing. Allele origin: germline.
Comment: This missense variant replaces glycine with alanine at codon 1771 of the BRCA2 protein. Computational prediction suggests that this variant may not impact protein structure and function. To our knowledge, functional studies have not been reported for this variant. This variant has been reported in a breast cancer case-control study in 1/7051 female breast cancer cases and absent in 11241 female controls (PMID: 30287823). This variant has not been identified in the general population by the Genome Aggregation Database (gnomAD). The available evidence is insufficient to determine the role of this variant in disease conclusively. Therefore, this variant is classified as a Variant of Uncertain Significance.

University of Washington Department of Laboratory Medicine, University of Washington
Classification: Likely benign for Hereditary cancer-predisposing syndrome. Last evaluated: 2023-03-23. Review status: criteria provided, single submitter. Criteria: Dines et al. (Genet Med. 2020). Collection method: curation. Allele origin: germline.
Comment: Missense variant in a coldspot region where missense variants are very unlikely to be pathogenic (PMID:31911673).

BRCA2 exon 11 coldspot. Reclassification based on statistical prior probability.

Literature cited by the submitters: PubMed 30287823 (cited by Labcorp Genetics (formerly Invitae), Labcorp and Color Diagnostics, LLC DBA Color Health).